The following is an entry in ClinVar:

ClinVar aggregate classification (germline): Uncertain significance. Review status: criteria provided, multiple submitters, no conflicts (2 of 4 stars). 3 submissions from 3 submitters: Uncertain significance (3). Last evaluated 2026-03-11.

Conditions:
NAF1-related disorder. Also called: NAF1-related condition.

Allele frequency attached by ClinVar (database versions not stated): gnomAD 0.00002; TOPMed 0.00002.
gnomAD v4.1: 20 of 1,613,690 alleles (0.0012%); highest among the groups gnomAD compares: African/African-American, 0.017%; no homozygotes.

Submissions (3):

PreventionGenetics, part of Exact Sciences
Classification: Uncertain significance for NAF1-related condition. Last evaluated: 2026-03-11. Review status: criteria provided, single submitter. Criteria: ACMG Guidelines, 2015. Collection method: clinical testing. Allele origin: germline.
Comment: The NAF1 c.52G>A variant is predicted to result in the amino acid substitution p.Gly18Ser. To our knowledge, this variant has not been reported in the literature. This variant is reported in 0.0066% of alleles in individuals of African descent in gnomAD. At this time, the clinical significance of this variant is uncertain due to the absence of conclusive functional and genetic evidence.

Ambry Genetics
Classification: Uncertain significance. Last evaluated: 2025-08-22. Review status: criteria provided, single submitter. Criteria: Ambry Variant Classification Scheme 2023. Collection method: clinical testing. Allele origin: germline.

Labcorp Genetics (formerly Invitae), Labcorp
Classification: Uncertain significance. Last evaluated: 2025-06-19. Review status: criteria provided, single submitter. Criteria: Invitae Variant Classification Sherloc (09022015). Collection method: clinical testing. Allele origin: germline.
Comment: This sequence change replaces glycine, which is neutral and non-polar, with serine, which is neutral and polar, at codon 18 of the NAF1 protein (p.Gly18Ser). This variant is present in population databases (no rsID available, gnomAD 0.007%). This variant has not been reported in the literature in individuals affected with NAF1-related conditions. ClinVar contains an entry for this variant (Variation ID: 2720572). An algorithm developed to predict the effect of missense changes on protein structure and function outputs the following: PolyPhen-2: "Probably Damaging". The serine amino acid residue is found in multiple mammalian species, which suggests that this missense change does not adversely affect protein function. In summary, the available evidence is currently insufficient to determine the role of this variant in disease. Therefore, it has been classified as a Variant of Uncertain Significance.

NM_138386.3(NAF1):c.52G>A (p.Gly18Ser)

Gene: NAF1 (nuclear assembly factor 1 ribonucleoprotein; minus strand). Cytogenetic location: 4q32.2.
Variant type: single nucleotide variant.
Coding change: c.52G>A on transcript NM_138386.3 (MANE Select); coding-DNA position 52, G replaced by A.
Protein change: p.Gly18Ser; replaces glycine 18 with serine.
Molecular consequence: missense variant.
Genome position (GRCh38, 1-based): chr4:163,166,676, C>T on the plus strand (G>A on the coding strand, the complement: NAF1 is on the minus strand). VCF-style: chr4-163166676-C-T. GRCh37 (hg19) VCF-style: chr4-164087828-C-T.
Other names: c.52G>A, p.Gly18Ser (NM_001128931.2); c.52G>A (NM_138386.2); short protein forms G18S.
Identifiers: ClinVar variation 2720572 (VCV002720572.5), dbSNP rs866237920, ClinGen allele CA110048924.